The following is an entry in ClinVar:

NM_002471.4(MYH6):c.799+7A>T

Gene: MYH6 (myosin heavy chain 6; minus strand). Cytogenetic location: 14q11.2.
Variant type: single nucleotide variant.
Coding change: c.799+7A>T on transcript NM_002471.4 (MANE Select); 7 bases into the intron after coding-DNA position 799, A replaced by T.
Molecular consequence: intron variant.
Genome position (GRCh38, 1-based): chr14:23,403,708, T>A on the plus strand (A>T on the coding strand, the complement: MYH6 is on the minus strand). VCF-style: chr14-23403708-T-A. GRCh37 (hg19) VCF-style: chr14-23872917-T-A.
Identifiers: ClinVar variation 3721762 (VCV003721762.2).
Genomic context (GRCh38, chr14:23,403,708, plus strand): 5'-GGCCGCCAGGCAGGGAGAGAAGGCAGAGGGGGACCTAGAGGGTGGCAGCCTCCCTGCTGG[T>A]ACTCACAGGTCTCTATGTCTGCAGAAGCCAGCTTTCCAGTGGCCCCAAAGTGGATCCTAA-3'

ClinVar aggregate classification (germline): Uncertain significance (1 of 4 stars; one submission).

Conditions:
Hypertrophic cardiomyopathy 14. Identifiers: MedGen C2750467, MONDO:0013197, OMIM 613251.

Submission:

Labcorp Genetics (formerly Invitae), Labcorp
Classification: Uncertain significance for Hypertrophic cardiomyopathy 14. Last evaluated: 2024-09-29. Review status: criteria provided, single submitter. Criteria: Invitae Variant Classification Sherloc (09022015). Collection method: clinical testing. Allele origin: germline.
Comment: This sequence change falls in intron 9 of the MYH6 gene. It does not directly change the encoded amino acid sequence of the MYH6 protein. This variant is not present in population databases (gnomAD no frequency). This variant has not been reported in the literature in individuals affected with MYH6-related conditions. Algorithms developed to predict the effect of sequence changes on RNA splicing suggest that this variant may disrupt the consensus splice site. In summary, the available evidence is currently insufficient to determine the role of this variant in disease. Therefore, it has been classified as a Variant of Uncertain Significance.